The following is an entry in ClinVar:

ClinVar aggregate classification (germline): Uncertain significance (1 of 4 stars; one submission).

Allele frequency attached by ClinVar (database versions not stated): gnomAD exomes below 0.00001.
gnomAD v4.1: 2 of 1,607,040 alleles (0.00012%); highest among the groups gnomAD compares: African/African-American, 0.0027%; no homozygotes.

Submission:

Labcorp Genetics (formerly Invitae), Labcorp
Classification: Uncertain significance. Last evaluated: 2022-07-25. Review status: criteria provided, single submitter. Criteria: Invitae Variant Classification Sherloc (09022015). Collection method: clinical testing. Allele origin: germline.
Comment: This sequence change falls in intron 24 of the MYO18B gene. It does not directly change the encoded amino acid sequence of the MYO18B protein. It affects a nucleotide within the consensus splice site. This variant is present in population databases (no rsID available, gnomAD 0.007%). This variant has not been reported in the literature in individuals affected with MYO18B-related conditions. ClinVar contains an entry for this variant (Variation ID: 1448780). Variants that disrupt the consensus splice site are a relatively common cause of aberrant splicing (PMID: 17576681, 9536098). Algorithms developed to predict the effect of sequence changes on RNA splicing suggest that this variant is not likely to affect RNA splicing. In summary, the available evidence is currently insufficient to determine the role of this variant in disease. Therefore, it has been classified as a Variant of Uncertain Significance.

Literature cited by the submitters: PubMed 17576681; PubMed 9536098.

NM_032608.7(MYO18B):c.4224+4A>C

Gene: MYO18B (myosin XVIIIB; plus strand). Cytogenetic location: 22q12.1.
Variant type: single nucleotide variant.
Coding change: c.4224+4A>C on transcript NM_032608.7 (MANE Select); 4 bases into the intron after coding-DNA position 4224, A replaced by C.
Molecular consequence: intron variant.
Genome position (GRCh38, 1-based): chr22:25,876,336, A>C. VCF-style: chr22-25876336-A-C. GRCh37 (hg19) VCF-style: chr22-26272303-A-C.
Other names: c.4227+4A>C (NM_001318245.2).
Identifiers: ClinVar variation 1448780 (VCV001448780.6), dbSNP rs1333414028, ClinGen allele CA638766861.